The following is an entry in ClinVar:

ClinVar aggregate classification (germline): Uncertain significance (1 of 4 stars; one submission).

Conditions:
Inborn genetic diseases. Identifiers: MedGen C0950123, MeSH D030342.

Allele frequency attached by ClinVar (database versions not stated): gnomAD 0.00001; gnomAD exomes 0.00001; TOPMed 0.00002.
gnomAD v4.1: 7 of 1,493,608 alleles (0.00047%); highest among the groups gnomAD compares: Admixed American, 0.014%; no homozygotes.

Submission:

Ambry Genetics
Classification: Uncertain significance for Inborn genetic diseases. Last evaluated: 2021-10-01. Review status: criteria provided, single submitter. Criteria: Ambry Variant Classification Scheme 2023. Collection method: clinical testing. Allele origin: germline.
Comment: The c.2710-855A>G intronic alteration consists of a A to G substitution 855 nucleotides before coding exon 24 in the RAB3GAP1 gene. Based on insufficient or conflicting evidence, the clinical significance of this alteration remains unclear.

NM_012233.3(RAB3GAP1):c.2710-855A>G

Gene: RAB3GAP1 (RAB3 GTPase activating protein catalytic subunit 1; plus strand). Cytogenetic location: 2q21.3.
Variant type: single nucleotide variant.
Coding change: c.2710-855A>G on transcript NM_012233.3 (MANE Select); 855 bases into the intron before coding-DNA position 2710, A replaced by G.
Molecular consequence: intron variant.
Genome position (GRCh38, 1-based): chr2:135,167,690, A>G. VCF-style: chr2-135167690-A-G. GRCh37 (hg19) VCF-style: chr2-135925260-A-G.
Other names: c.2710-3A>G (NM_001172435.2).
Identifiers: ClinVar variation 2245286 (VCV002245286.2), dbSNP rs1435415088, ClinGen allele CA536390060.